The following is an entry in ClinVar:

ClinVar aggregate classification (germline): Likely pathogenic. Review status: criteria provided, multiple submitters, no conflicts (2 of 4 stars). 2 submissions from 2 submitters: Likely pathogenic (2). Last evaluated 2022-01-15.

Conditions:
Developmental and epileptic encephalopathy, 12 (DEE12). Identifiers: MedGen C3150988, MONDO:0013389, OMIM 613722.

Allele frequency attached by ClinVar (database versions not stated): gnomAD exomes below 0.00001; gnomAD 0.00001; TOPMed 0.00001.
gnomAD v4.1: 5 of 1,613,986 alleles (0.00031%); highest among the groups gnomAD compares: Non-Finnish European, 0.00042%; no homozygotes.

Submissions (2):

Labcorp Genetics (formerly Invitae), Labcorp
Classification: Likely pathogenic for Developmental and epileptic encephalopathy, 12. Last evaluated: 2022-01-15. Review status: criteria provided, single submitter. Criteria: Invitae Variant Classification Sherloc (09022015). Collection method: clinical testing. Allele origin: germline.
Comment: In summary, the currently available evidence indicates that the variant is pathogenic, but additional data are needed to prove that conclusively. Therefore, this variant has been classified as Likely Pathogenic. This variant is not present in population databases (gnomAD no frequency). This sequence change affects a donor splice site in intron 13 of the PNKP gene. It is expected to disrupt RNA splicing. Variants that disrupt the donor or acceptor splice site typically lead to a loss of protein function (PMID: 16199547), and loss-of-function variants in PNKP are known to be pathogenic (PMID: 20118933, 25728773). This variant has not been reported in the literature in individuals affected with PNKP-related conditions. ClinVar contains an entry for this variant (Variation ID: 372961). Algorithms developed to predict the effect of sequence changes on RNA splicing suggest that this variant may disrupt the consensus splice site.

GeneDx
Classification: Likely pathogenic. Last evaluated: 2016-06-14. Review status: criteria provided, single submitter. Criteria: GeneDx Variant Classification (06012015). Collection method: clinical testing. Allele origin: germline. Affected: yes.
Comment: The c.1188+1G>A variant in the PNKP gene has not been reported previously as a pathogenic variant nor as a benign variant, to our knowledge. This splice site variant destroys the canonical splice donor site in intron 13. It is predicted to cause abnormal gene splicing, either leading to an abnormal message that is subject to nonsense-mediated mRNA decay, or to an abnormal protein product if the message is used for protein translation. The c.1188+1G>A variant was not observed in approximately 6500 individuals of European and African American ancestry in the NHLBI Exome Sequencing Project, indicating it is not a common benign variant in these populations. The c.1188+1G>A variant is a strong candidate for a pathogenic variant, however the possibility it may be a rare benign variant cannot be excluded.

Literature cited by the submitters: PubMed 16199547 (cited by Labcorp Genetics (formerly Invitae), Labcorp); PubMed 20118933 (cited by Labcorp Genetics (formerly Invitae), Labcorp); PubMed 25728773 (cited by Labcorp Genetics (formerly Invitae), Labcorp).

NM_007254.4(PNKP):c.1188+1G>A

Gene: PNKP (polynucleotide kinase 3'-phosphatase; minus strand). Cytogenetic location: 19q13.33.
Variant type: single nucleotide variant.
Coding change: c.1188+1G>A on transcript NM_007254.4 (MANE Select); the canonical splice donor site of the intron after coding-DNA position 1188, G replaced by A.
Molecular consequence: splice donor variant.
Genome position (GRCh38, 1-based): chr19:49,862,043, C>T on the plus strand (G>A on the coding strand, the complement: PNKP is on the minus strand). VCF-style: chr19-49862043-C-T. GRCh37 (hg19) VCF-style: chr19-50365300-C-T.
Identifiers: ClinVar variation 372961 (VCV000372961.8), dbSNP rs1057518102, ClinGen allele CA16043208.